The following is an entry in ClinVar:

ClinVar aggregate classification (germline): Benign/Likely benign. Review status: criteria provided, multiple submitters, no conflicts (2 of 4 stars). 7 submissions from 7 submitters: Benign (2); Likely benign (3). 2 of the submissions do not count toward it. Last evaluated 2026-02-01.

Conditions:
SLC17A5-related disorder. Also called: SLC17A5-related disorders; SLC17A5-related condition.
Salla disease (SD). Also called: Less Severe FSASD (Salla Disease); Sialuria, Finnish type; N-acetylneuraminic acid (NANA) storage disease (NSD); Infantile sialic acid storage disorder (ISSD). Identifiers: Orphanet 309334, Orphanet 834, MedGen C1096903, MONDO:0011449, OMIM 604369.
Inborn genetic diseases. Identifiers: MedGen C0950123, MeSH D030342.

Allele frequency attached by ClinVar (database versions not stated): gnomAD exomes 0.00050 and 0.00109; ExAC 0.00168; 1000 Genomes Project 30x 0.00297; 1000 Genomes Project 0.00319; gnomAD 0.00406 and 0.00433; ESP Exome Variant Server 0.00431; TOPMed 0.00438.
gnomAD v4.1: 1,388 of 1,607,292 alleles (0.086%); highest among the groups gnomAD compares: African/African-American, 1.4%; 9 homozygotes.

Submissions (7):

CeGaT Center for Human Genetics Tuebingen
Classification: Likely benign. Last evaluated: 2026-02-01. Review status: criteria provided, single submitter. Criteria: CeGaT Center For Human Genetics Tuebingen Variant Classification Criteria Version 2. Collection method: clinical testing. Allele origin: germline. Affected: yes. Observed: 1 variant allele.
Comment: SLC17A5: BP4, BP7, BS1

Labcorp Genetics (formerly Invitae), Labcorp
Classification: Benign for Salla disease. Last evaluated: 2026-01-26. Review status: criteria provided, single submitter. Criteria: Invitae Variant Classification Sherloc (09022015). Collection method: clinical testing. Allele origin: germline.

Blueprint Genetics
Classification: Likely benign. Last evaluated: 2024-11-25. Review status: criteria provided, single submitter. Criteria: ACMG Guidelines, 2015. Collection method: clinical testing. Allele origin: germline.

Mayo Clinic Laboratories, Mayo Clinic
Classification: Benign. Last evaluated: 2023-04-28. Review status: criteria provided, single submitter. Criteria: ACMG Guidelines, 2015. Collection method: clinical testing. Allele origin: germline. Observed: 4 variant alleles.
Comment: BA1, BS2, BP4, BP7

Ambry Genetics
Classification: Likely benign for Inborn genetic diseases. Last evaluated: 2022-04-21. Review status: criteria provided, single submitter. Criteria: Ambry Variant Classification Scheme 2023. Collection method: clinical testing. Allele origin: germline.

Natera, Inc.
Classification: Benign for Salla disease. Last evaluated: 2020-09-16. Review status: no assertion criteria provided. Collection method: clinical testing. Allele origin: germline. Not counted in ClinVar's aggregate classification.

PreventionGenetics, part of Exact Sciences
Classification: Benign for SLC17A5-related condition. Last evaluated: 2019-04-08. Review status: no assertion criteria provided. Collection method: clinical testing. Allele origin: germline. Not counted in ClinVar's aggregate classification.
Comment: This variant is classified as benign based on ACMG/AMP sequence variant interpretation guidelines (Richards et al. 2015 PMID: 25741868, with internal and published modifications).

NM_012434.5(SLC17A5):c.33C>T (p.Asn11=)

Genes: SLC17A5 (solute carrier family 17 member 5; minus strand), LOC129996727 (ATAC-STARR-seq lymphoblastoid silent region 17338; plus strand). Cytogenetic location: 6q13.
Variant type: single nucleotide variant.
Coding change: c.33C>T on transcript NM_012434.5 (MANE Select); coding-DNA position 33, C replaced by T.
Protein change: p.Asn11=; no amino-acid change (asparagine 11 retained).
Molecular consequence: synonymous variant.
Genome position (GRCh38, 1-based): chr6:73,653,854, G>A on the plus strand (C>T on the coding strand, the complement: SLC17A5 is on the minus strand). VCF-style: chr6-73653854-G-A. GRCh37 (hg19) VCF-style: chr6-74363577-G-A.
Other names: p.Asn11=.
Identifiers: ClinVar variation 789839 (VCV000789839.22), dbSNP rs139255194, ClinGen allele CA3890631.